The following is an entry in ClinVar:

NM_182961.4(SYNE1):c.15814C>T (p.Arg5272Trp)

Gene: SYNE1 (spectrin repeat containing nuclear envelope protein 1; minus strand). Cytogenetic location: 6q25.2.
Variant type: single nucleotide variant.
Coding change: c.15814C>T on transcript NM_182961.4 (MANE Select); coding-DNA position 15814, C replaced by T.
Protein change: p.Arg5272Trp; replaces arginine 5272 with tryptophan.
Molecular consequence: missense variant.
Genome position (GRCh38, 1-based): chr6:152,323,581, G>A on the plus strand (C>T on the coding strand, the complement: SYNE1 is on the minus strand). VCF-style: chr6-152323581-G-A. GRCh37 (hg19) VCF-style: chr6-152644716-G-A.
Other names: c.15601C>T, p.Arg5201Trp (NM_033071.5); short protein forms R5201W, R5272W.
Identifiers: ClinVar variation 2636402 (VCV002636402.2), dbSNP rs1048882814, ClinGen allele CA150169063.

ClinVar aggregate classification (germline): Uncertain significance. Review status: criteria provided, multiple submitters, no conflicts (2 of 4 stars). 2 submissions from 2 submitters: Uncertain significance (2). Last evaluated 2023-01-31.

Conditions:
SYNE1-related disorder. Also called: SYNE1-related disease; SYNE1-related condition; SYNE1-related disorders.

gnomAD v4.1: 24 of 1,614,200 alleles (0.0015%); highest among the groups gnomAD compares: Middle Eastern, 0.016%; no homozygotes.

Submissions (2):

Blueprint Genetics
Classification: Uncertain significance. Last evaluated: 2023-01-31. Review status: criteria provided, single submitter. Criteria: ACMG Guidelines, 2015. Collection method: clinical testing. Allele origin: germline.

PreventionGenetics, part of Exact Sciences
Classification: Uncertain significance for SYNE1-related condition. Last evaluated: 2022-08-18. Review status: criteria provided, single submitter. Criteria: ACMG Guidelines, 2015. Collection method: clinical testing. Allele origin: germline.
Comment: The SYNE1 c.15601C>T variant is predicted to result in the amino acid substitution p.Arg5201Trp. To our knowledge, this variant has not been reported in the literature. This variant is reported in 0.0033% of alleles in individuals of South Asian descent in gnomAD. At this time, the clinical significance of this variant is uncertain due to the absence of conclusive functional and genetic evidence.